The following is an entry in ClinVar:

ClinVar aggregate classification (germline): Uncertain significance (1 of 4 stars; one submission).

Allele frequency attached by ClinVar (database versions not stated): ExAC 0.00002; TOPMed 0.00002; gnomAD 0.00003; gnomAD exomes 0.00003.
gnomAD v4.1: 34 of 1,613,898 alleles (0.0021%); highest among the groups gnomAD compares: Non-Finnish European, 0.0029%; no homozygotes.

Submission:

Labcorp Genetics (formerly Invitae), Labcorp
Classification: Uncertain significance. Last evaluated: 2025-10-21. Review status: criteria provided, single submitter. Criteria: Invitae Variant Classification Sherloc (09022015). Collection method: clinical testing. Allele origin: germline.
Comment: This sequence change replaces threonine, which is neutral and polar, with proline, which is neutral and non-polar, at codon 2036 of the VCAN protein (p.Thr2036Pro). This variant is present in population databases (rs745971281, gnomAD 0.005%). This missense change has been observed in individual(s) with clinical features of retinitis pigmentosa (internal data). ClinVar contains an entry for this variant (Variation ID: 855648). An algorithm developed to predict the effect of missense changes on protein structure and function (PolyPhen-2) suggests that this variant is likely to be disruptive. In summary, the available evidence is currently insufficient to determine the role of this variant in disease. Therefore, it has been classified as a Variant of Uncertain Significance.

NM_004385.5(VCAN):c.6106A>C (p.Thr2036Pro)

Genes: VCAN (versican; plus strand), VCAN-AS1 (VCAN antisense RNA 1; minus strand). Cytogenetic location: 5q14.3.
Variant type: single nucleotide variant.
Coding change: c.6106A>C on transcript NM_004385.5 (MANE Select); coding-DNA position 6106, A replaced by C.
Protein change: p.Thr2036Pro; replaces threonine 2036 with proline.
Molecular consequence: missense variant. On other transcripts: intron variant (2).
Genome position (GRCh38, 1-based): chr5:83,539,109, A>C. VCF-style: chr5-83539109-A-C. GRCh37 (hg19) VCF-style: chr5-82834928-A-C.
Other names: c.3145A>C, p.Thr1049Pro (NM_001164097.2); c.4004-6428A>C (NM_001164098.2); c.1043-6428A>C (NM_001126336.3); short protein forms T1049P, T2036P.
Identifiers: ClinVar variation 855648 (VCV000855648.9), dbSNP rs745971281, ClinGen allele CA3333431.
Genomic context (GRCh38, chr5:83,539,109, plus strand): 5'-GTCACAGTCAGCAGCTCTGTTGTTCCAGTGCTTCCCAGTGCTGTGCAAAAGTTTTCTGGT[A>C]CAGCTTCCTCCATTATCGACGAAGGATTGGGAGAAGTGGGTACTGTCAATGAAATTGATA-3'
Protein context (NP_004376.2, residues 2026-2046): LPSAVQKFSG[Thr2036Pro]ASSIIDEGLG